The following is an entry in ClinVar:

ClinVar aggregate classification (germline): Benign. Review status: criteria provided, multiple submitters, no conflicts (2 of 4 stars). 3 submissions from 3 submitters: Benign (2). 1 of the submissions does not count toward it. Last evaluated 2018-03-29.

Conditions:
XIRP1-related disorder. Also called: XIRP1-related condition.

Allele frequency attached by ClinVar (database versions not stated): gnomAD 0.00004 and 0.00141; TOPMed 0.00023; gnomAD exomes 0.00239 and 0.00512; ExAC 0.00559; 1000 Genomes Project 30x 0.00874; 1000 Genomes Project 0.01058.

Submissions (3):

Labcorp Genetics (formerly Invitae), Labcorp
Classification: Benign. Last evaluated: 2018-03-29. Review status: criteria provided, single submitter. Criteria: Invitae Variant Classification Sherloc (09022015). Collection method: clinical testing. Allele origin: germline.

Breakthrough Genomics
Classification: Benign. Review status: criteria provided, single submitter. Criteria: ACMG Guidelines, 2015. Collection method: not provided. Allele origin: germline. Inheritance: Unknown mechanism. Affected: yes.

PreventionGenetics, part of Exact Sciences
Classification: Benign for XIRP1-related condition. Last evaluated: 2019-04-25. Review status: no assertion criteria provided. Collection method: clinical testing. Allele origin: germline. Not counted in ClinVar's aggregate classification.
Comment: This variant is classified as benign based on ACMG/AMP sequence variant interpretation guidelines (Richards et al. 2015 PMID: 25741868, with internal and published modifications).

NM_194293.4(XIRP1):c.4766C>T (p.Thr1589Ile)

Gene: XIRP1 (xin actin binding repeat containing 1; minus strand). Cytogenetic location: 3p22.2.
Variant type: single nucleotide variant.
Coding change: c.4766C>T on transcript NM_194293.4 (MANE Select); coding-DNA position 4766, C replaced by T.
Protein change: p.Thr1589Ile; replaces threonine 1589 with isoleucine.
Molecular consequence: missense variant. On other transcripts: 3 prime UTR variant (1).
Genome position (GRCh38, 1-based): chr3:39,184,680, G>A on the plus strand (C>T on the coding strand, the complement: XIRP1 is on the minus strand). VCF-style: chr3-39184680-G-A. GRCh37 (hg19) VCF-style: chr3-39226171-G-A.
Other names: c.*973C>T (NM_001198621.4); c.815C>T, p.Thr272Ile (NM_001351377.2); short protein forms T1589I, T272I.
Identifiers: ClinVar variation 718010 (VCV000718010.6), dbSNP rs367987838, ClinGen allele CA2325796.